The following is an entry in ClinVar:

ClinVar aggregate classification (germline): Uncertain significance (1 of 4 stars; one submission).

Conditions:
Rhabdoid tumor predisposition syndrome 2 (RTPS2). Identifiers: Orphanet 231108, Orphanet 69077, MedGen C2750074, MONDO:0013224, OMIM 613325.

Submission:

Labcorp Genetics (formerly Invitae), Labcorp
Classification: Uncertain significance for Rhabdoid tumor predisposition syndrome 2. Last evaluated: 2026-01-02. Review status: criteria provided, single submitter. Criteria: Invitae Variant Classification Sherloc (09022015). Collection method: clinical testing. Allele origin: germline.
Comment: This sequence change replaces serine, which is neutral and polar, with threonine, which is neutral and polar, at codon 837 of the SMARCA4 protein (p.Ser837Thr). This variant is not present in population databases (gnomAD no frequency). This variant has not been reported in the literature in individuals affected with SMARCA4-related conditions. An algorithm developed to predict the effect of missense changes on protein structure and function (PolyPhen-2) suggests that this variant is likely to be tolerated. In summary, the available evidence is currently insufficient to determine the role of this variant in disease. Therefore, it has been classified as a Variant of Uncertain Significance.

NM_003072.5(SMARCA4):c.2509T>A (p.Ser837Thr)

Gene: SMARCA4 (SWI/SNF related BAF chromatin remodeling complex subunit ATPase 4; plus strand). Cytogenetic location: 19p13.2.
Variant type: single nucleotide variant.
Coding change: c.2509T>A on transcript NM_003072.5 (MANE Select); coding-DNA position 2509, T replaced by A.
Protein change: p.Ser837Thr; replaces serine 837 with threonine.
Molecular consequence: missense variant. On other transcripts: non-coding transcript variant (1).
Genome position (GRCh38, 1-based): chr19:11,019,594, T>A. VCF-style: chr19-11019594-T-A. GRCh37 (hg19) VCF-style: chr19-11130270-T-A.
Other names: c.2509T>A, p.Ser837Thr (NM_001128844.3, NM_001128845.2, NM_001128846.2 and 6 more transcripts); short protein forms S837T.
Identifiers: ClinVar variation 4802567 (VCV004802567.1).
Genomic context (GRCh38, chr19:11,019,594, plus strand): 5'-TTGCCACCTGGCCACCCGGCTCCAAAAGCCGAGCTGTGCATCCTGCTTCCCTTGCAGGGA[T>A]CCCCAGCAGCAAGACGGGCCTTTGTCCCCCAGCTCCGGAGTGGGAAGTTCAACGTCTTGC-3'
Protein context (NP_003063.2, residues 827-847): PSVVKVSYKG[Ser837Thr]PAARRAFVPQ